The following is an entry in ClinVar:

NM_032040.5(CCDC8):c.769G>A (p.Val257Met)

Gene: CCDC8 (coiled-coil domain containing 8; minus strand). Cytogenetic location: 19q13.32.
Variant type: single nucleotide variant.
Coding change: c.769G>A on transcript NM_032040.5 (MANE Select); coding-DNA position 769, G replaced by A.
Protein change: p.Val257Met; replaces valine 257 with methionine.
Molecular consequence: missense variant.
Genome position (GRCh38, 1-based): chr19:46,412,042, C>T on the plus strand (G>A on the coding strand, the complement: CCDC8 is on the minus strand). VCF-style: chr19-46412042-C-T. GRCh37 (hg19) VCF-style: chr19-46915299-C-T.
Other names: short protein forms V257M.
Identifiers: ClinVar variation 3769531 (VCV003769531.2).
Genomic context (GRCh38, chr19:46,412,042, plus strand): 5'-GGCGCCGAAAGGAGGCCCAGTTGATCTTGGGCCTCCATCGCCTAGGGGAAGCCTGGGGCA[C>T]ACAAACATCTCCCGCGTTTCCCAAGCGATCCCCCGGGCTGGTGCCCTCTGGCGCCGATGA-3'
Protein context (NP_114429.2, residues 247-267): DRLGNAGDVC[Val257Met]PQASPRRWRP

ClinVar aggregate classification (germline): Uncertain significance (1 of 4 stars; one submission).

Submission:

Women's Health and Genetics/Laboratory Corporation of America, LabCorp
Classification: Uncertain significance. Last evaluated: 2025-01-20. Review status: criteria provided, single submitter. Criteria: LabCorp Variant Classification Summary - May 2015. Collection method: clinical testing. Allele origin: germline.
Comment: Variant summary: CCDC8 c.769G>A (p.Val257Met) results in a conservative amino acid change in the encoded protein sequence. Five of five in-silico tools predict a benign effect of the variant on protein function. The variant was absent in 240828 control chromosomes. The available data on variant occurrences in the general population are insufficient to allow any conclusion about variant significance. To our knowledge, no occurrence of c.769G>A in individuals affected with Three M Syndrome 3 and no experimental evidence demonstrating its impact on protein function have been reported. No submitters have cited clinical-significance assessments for this variant to ClinVar. Based on the evidence outlined above, the variant was classified as uncertain significance.